The following is an entry in ClinVar:

ClinVar aggregate classification (germline): Uncertain significance (1 of 4 stars; one submission).

gnomAD v4.1: 39 of 1,550,856 alleles (0.0025%); highest among the groups gnomAD compares: Admixed American, 0.014%; no homozygotes.

Submission:

GeneDx
Classification: Uncertain significance. Last evaluated: 2024-10-10. Review status: criteria provided, single submitter. Criteria: GeneDx Variant Classification Process June 2021. Collection method: clinical testing. Allele origin: germline. Affected: yes.
Comment: In silico analysis supports that this missense variant has a deleterious effect on protein structure/function; Has not been previously published as pathogenic or benign to our knowledge

NM_001292063.2(OTOG):c.8578G>A (p.Ala2860Thr)

Gene: OTOG (otogelin; plus strand). Cytogenetic location: 11p15.1.
Variant type: single nucleotide variant.
Coding change: c.8578G>A on transcript NM_001292063.2 (MANE Select); coding-DNA position 8578, G replaced by A.
Protein change: p.Ala2860Thr; replaces alanine 2860 with threonine.
Molecular consequence: missense variant.
Genome position (GRCh38, 1-based): chr11:17,645,780, G>A. VCF-style: chr11-17645780-G-A. GRCh37 (hg19) VCF-style: chr11-17667327-G-A.
Other names: c.8614G>A, p.Ala2872Thr (NM_001277269.2); short protein forms A2860T, A2872T.
Identifiers: ClinVar variation 3777351 (VCV003777351.1).